The following is an entry in ClinVar:

NM_182643.3(DLC1):c.677T>C (p.Leu226Pro)

Gene: DLC1 (DLC1 Rho GTPase activating protein; minus strand). Cytogenetic location: 8p22.
Variant type: single nucleotide variant.
Coding change: c.677T>C on transcript NM_182643.3 (MANE Select); coding-DNA position 677, T replaced by C.
Protein change: p.Leu226Pro; replaces leucine 226 with proline.
Molecular consequence: missense variant. On other transcripts: 5 prime UTR variant (1).
Genome position (GRCh38, 1-based): chr8:13,499,395, A>G on the plus strand (T>C on the coding strand, the complement: DLC1 is on the minus strand). VCF-style: chr8-13499395-A-G. GRCh37 (hg19) VCF-style: chr8-13356904-A-G.
Other names: c.677T>C, p.Leu226Pro (NM_001348081.2, NM_001413124.1, NM_001413125.1 and 1 more transcripts); c.-775T>C (NM_001348082.2); short protein forms L226P.
Identifiers: ClinVar variation 2996200 (VCV002996200.3), dbSNP rs778986683, ClinGen allele CA4639443.
Genomic context (GRCh38, chr8:13,499,395, plus strand): 5'-TCATTTTCATCTTTAGGGGGGTCAGGTTTCCTTCGTTGCTGAGCAATTACAGCAGAGTTA[A>G]GCAATTGTTTCTCAGGTGCAATATCTTTCACGTTCAAAGTATCCACTGCATTTACTTTGG-3'
Protein context (NP_872584.2, residues 216-236): VKDIAPEKQL[Leu226Pro]NSAVIAQQRR

ClinVar aggregate classification (germline): Uncertain significance (1 of 4 stars; one submission).

Allele frequency attached by ClinVar (database versions not stated): ExAC 0.00002; gnomAD exomes 0.00003; gnomAD 0.00005; TOPMed 0.00005.
gnomAD v4.1: 56 of 1,613,706 alleles (0.0035%); highest among the groups gnomAD compares: Admixed American, 0.025%; no homozygotes.

Submission:

Labcorp Genetics (formerly Invitae), Labcorp
Classification: Uncertain significance. Last evaluated: 2024-09-17. Review status: criteria provided, single submitter. Criteria: Invitae Variant Classification Sherloc (09022015). Collection method: clinical testing. Allele origin: germline.
Comment: This sequence change replaces leucine, which is neutral and non-polar, with proline, which is neutral and non-polar, at codon 226 of the DLC1 protein (p.Leu226Pro). This variant is present in population databases (rs778986683, gnomAD 0.02%). This variant has not been reported in the literature in individuals affected with DLC1-related conditions. An algorithm developed to predict the effect of missense changes on protein structure and function (PolyPhen-2) suggests that this variant is likely to be tolerated. In summary, the available evidence is currently insufficient to determine the role of this variant in disease. Therefore, it has been classified as a Variant of Uncertain Significance.